The following is an entry in ClinVar:

ClinVar aggregate classification (germline): Uncertain significance (1 of 4 stars; one submission).

gnomAD v4.1: 3 of 1,613,932 alleles (0.00019%); highest among the groups gnomAD compares: South Asian, 0.0011%; no homozygotes.

Submission:

Labcorp Genetics (formerly Invitae), Labcorp
Classification: Uncertain significance. Last evaluated: 2022-02-03. Review status: criteria provided, single submitter. Criteria: Invitae Variant Classification Sherloc (09022015). Collection method: clinical testing. Allele origin: germline.
Comment: This variant is not present in population databases (gnomAD no frequency). This sequence change replaces proline, which is neutral and non-polar, with glutamine, which is neutral and polar, at codon 63 of the HOMER2 protein (p.Pro63Gln). In summary, the available evidence is currently insufficient to determine the role of this variant in disease. Therefore, it has been classified as a Variant of Uncertain Significance. Algorithms developed to predict the effect of missense changes on protein structure and function (SIFT, PolyPhen-2, Align-GVGD) all suggest that this variant is likely to be disruptive. This variant has not been reported in the literature in individuals affected with HOMER2-related conditions.

NM_004839.4(HOMER2):c.188C>A (p.Pro63Gln)

Gene: HOMER2 (homer scaffold protein 2; minus strand). Cytogenetic location: 15q25.2.
Variant type: single nucleotide variant.
Coding change: c.188C>A on transcript NM_004839.4 (MANE Select); coding-DNA position 188, C replaced by A.
Protein change: p.Pro63Gln; replaces proline 63 with glutamine.
Molecular consequence: missense variant.
Genome position (GRCh38, 1-based): chr15:82,875,379, G>T on the plus strand (C>A on the coding strand, the complement: HOMER2 is on the minus strand). VCF-style: chr15-82875379-G-T. GRCh37 (hg19) VCF-style: chr15-83544131-G-T.
Other names: c.188C>A, p.Pro63Gln (NM_199330.3); short protein forms P63Q.
Identifiers: ClinVar variation 2092361 (VCV002092361.4), dbSNP rs771053430, ClinGen allele CA393326285.